The following is an entry in ClinVar:

ClinVar aggregate classification (germline): Benign. Review status: criteria provided, single submitter (1 of 4 stars). 2 submissions from 2 submitters: Benign (1). 1 of the submissions does not count toward it. Last evaluated 2025-10-12.

Conditions:
FAT4-related disorder. Also called: FAT4-related condition.

Allele frequency attached by ClinVar (database versions not stated): ESP Exome Variant Server 0.00015; 1000 Genomes Project 30x 0.00016; TOPMed 0.00016; gnomAD 0.00017 and 0.00019; 1000 Genomes Project 0.00020; gnomAD exomes 0.00032 and 0.00044; ExAC 0.00070.
gnomAD v4.1: 501 of 1,589,674 alleles (0.032%); highest among the groups gnomAD compares: Non-Finnish European, 0.035%; 2 homozygotes.

Submissions (2):

Labcorp Genetics (formerly Invitae), Labcorp
Classification: Benign. Last evaluated: 2025-10-12. Review status: criteria provided, single submitter. Criteria: Invitae Variant Classification Sherloc (09022015). Collection method: clinical testing. Allele origin: germline.

PreventionGenetics, part of Exact Sciences
Classification: Likely benign for FAT4-related condition. Last evaluated: 2023-12-12. Review status: no assertion criteria provided. Collection method: clinical testing. Allele origin: germline. Not counted in ClinVar's aggregate classification.
Comment: This variant is classified as likely benign based on ACMG/AMP sequence variant interpretation guidelines (Richards et al. 2015 PMID: 25741868, with internal and published modifications).

NM_001291303.3(FAT4):c.7452T>C (p.Gly2484=)

Gene: FAT4 (FAT atypical cadherin 4; plus strand). Cytogenetic location: 4q28.1.
Variant type: single nucleotide variant.
Coding change: c.7452T>C on transcript NM_001291303.3 (MANE Select); coding-DNA position 7452, T replaced by C.
Protein change: p.Gly2484=; no amino-acid change (glycine 2484 retained).
Molecular consequence: synonymous variant.
Genome position (GRCh38, 1-based): chr4:125,448,462, T>C. VCF-style: chr4-125448462-T-C. GRCh37 (hg19) VCF-style: chr4-126369617-T-C.
Other names: c.7452T>C, p.Gly2484= (NM_001291285.3); c.7446T>C, p.Gly2482= (NM_024582.6); c.7446T>C (NM_024582.4).
Identifiers: ClinVar variation 1167471 (VCV001167471.9), dbSNP rs200513521, ClinGen allele CA3073196.